The following is an entry in ClinVar:

NM_016343.4(CENPF):c.4612A>G (p.Arg1538Gly)

Gene: CENPF (centromere protein F; plus strand). Cytogenetic location: 1q41.
Variant type: single nucleotide variant.
Coding change: c.4612A>G on transcript NM_016343.4 (MANE Select); coding-DNA position 4612, A replaced by G.
Protein change: p.Arg1538Gly; replaces arginine 1538 with glycine.
Molecular consequence: missense variant.
Genome position (GRCh38, 1-based): chr1:214,642,950, A>G. VCF-style: chr1-214642950-A-G. GRCh37 (hg19) VCF-style: chr1-214816293-A-G.
Other names: short protein forms R1538G.
Identifiers: ClinVar variation 1311739 (VCV001311739.2), dbSNP rs138163000, ClinGen allele CA1390623.

ClinVar aggregate classification (germline): Uncertain significance (1 of 4 stars; one submission).

Allele frequency attached by ClinVar (database versions not stated): gnomAD exomes below 0.00001; ExAC 0.00001; gnomAD 0.00001; TOPMed 0.00001; ESP Exome Variant Server 0.00008.
gnomAD v4.1: 4 of 1,613,526 alleles (0.00025%); highest among the groups gnomAD compares: African/African-American, 0.004%; no homozygotes.

Submission:

GeneDx
Classification: Uncertain significance. Last evaluated: 2020-03-19. Review status: criteria provided, single submitter. Criteria: GeneDx Variant Classification Process June 2021. Collection method: clinical testing. Allele origin: germline. Affected: yes.
Comment: Not observed at a significant frequency in large population cohorts (Lek et al., 2016); In silico analysis supports that this missense variant does not alter protein structure/function; Has not been previously published as pathogenic or benign to our knowledge